The following is an entry in ClinVar:

NM_020975.6(RET):c.1794G>A (p.Glu598=)

Gene: RET (ret proto-oncogene; plus strand). Cytogenetic location: 10q11.21.
Variant type: single nucleotide variant.
Coding change: c.1794G>A on transcript NM_020975.6 (MANE Select); coding-DNA position 1794, G replaced by A.
Protein change: p.Glu598=; no amino-acid change (glutamic acid 598 retained).
Molecular consequence: synonymous variant. On other transcripts: intron variant (2).
Genome position (GRCh38, 1-based): chr10:43,113,590, G>A. VCF-style: chr10-43113590-G-A. GRCh37 (hg19) VCF-style: chr10-43609038-G-A.
Other names: c.1032G>A, p.Glu344= (NM_001355216.2); c.1794G>A, p.Glu598= (NM_001406743.1, NM_001406744.1, NM_001406759.1 and 4 more transcripts); c.1665G>A, p.Glu555= (NM_001406761.1, NM_001406762.1, NM_001406764.1 and 1 more transcripts); c.1506G>A, p.Glu502= (NM_001406766.1, NM_001406767.1, NM_001406770.1); c.1398G>A, p.Glu466= (NM_001406769.1, NM_001406772.1); c.1356G>A, p.Glu452= (NM_001406771.1, NM_001406773.1); c.1269G>A, p.Glu423= (NM_001406774.1); c.1068G>A, p.Glu356= (NM_001406775.1, NM_001406776.1, NM_001406777.1 and 1 more transcripts); and 7 more.
Identifiers: ClinVar variation 3904604 (VCV003904604.1).

ClinVar aggregate classification (germline): Benign (1 of 4 stars; one submission).

Conditions:
Multiple endocrine neoplasia type 2A. Also called: Multiple Endocrine Neoplasia Type 2A (MEN2A); MULTIPLE ENDOCRINE NEOPLASIA, TYPE IIA; PTC SYNDROME; SIPPLE SYNDROME; MEN 2A; MEN-2A syndrome. Identifiers: Orphanet 247698, Orphanet 653, MedGen C0025268, MeSH D018813, MONDO:0008234, OMIM 171400.

Submission:

Myriad Genetics, Inc.
Classification: Benign for Multiple endocrine neoplasia type 2A. Last evaluated: 2025-02-26. Review status: criteria provided, single submitter. Criteria: Myriad Autosomal Dominant, Autosomal Recessive and X-Linked Classification Criteria (2023). Collection method: clinical testing. Allele origin: unknown.
Comment: This variant is considered benign. This variant is a silent/synonymous amino acid change and it is not expected to impact splicing.